The following is an entry in ClinVar:

ClinVar aggregate classification (germline): Uncertain significance. Review status: criteria provided, multiple submitters, no conflicts (2 of 4 stars). 2 submissions from 2 submitters: Uncertain significance (2). Last evaluated 2025-07-15.

Conditions:
Hereditary cancer-predisposing syndrome. Also called: Hereditary neoplastic syndrome; Tumor predisposition; Neoplastic Syndromes, Hereditary; Hereditary Cancer Syndrome. Identifiers: Orphanet 140162, MedGen C0027672, MeSH D009386, MONDO:0015356.
Neuroblastoma, susceptibility to, 3. Also called: ALK-Related Neuroblastic Tumor Susceptibility. Identifiers: Orphanet 635, MedGen C2751681, MONDO:0013083, OMIM 613014.

Submissions (2):

Labcorp Genetics (formerly Invitae), Labcorp
Classification: Uncertain significance for Neuroblastoma, susceptibility to, 3. Last evaluated: 2025-07-15. Review status: criteria provided, single submitter. Criteria: Invitae Variant Classification Sherloc (09022015). Collection method: clinical testing. Allele origin: germline.
Comment: This sequence change replaces arginine, which is basic and polar, with threonine, which is neutral and polar, at codon 579 of the ALK protein (p.Arg579Thr). This variant is not present in population databases (gnomAD no frequency). This variant has not been reported in the literature in individuals affected with ALK-related conditions. ClinVar contains an entry for this variant (Variation ID: 2452111). An algorithm developed to predict the effect of missense changes on protein structure and function (PolyPhen-2) suggests that this variant is likely to be disruptive. In summary, the available evidence is currently insufficient to determine the role of this variant in disease. Therefore, it has been classified as a Variant of Uncertain Significance.

Ambry Genetics
Classification: Uncertain significance for Hereditary cancer-predisposing syndrome. Last evaluated: 2023-01-04. Review status: criteria provided, single submitter. Criteria: Ambry Variant Classification Scheme 2023. Collection method: clinical testing. Allele origin: germline.
Comment: The p.R579T variant (also known as c.1736G>C), located in coding exon 9 of the ALK gene, results from a G to C substitution at nucleotide position 1736. The arginine at codon 579 is replaced by threonine, an amino acid with similar properties. This amino acid position is conserved. In addition, this alteration is predicted to be tolerated by in silico analysis. Since supporting evidence is limited at this time, the clinical significance of this alteration remains unclear.

NM_004304.5(ALK):c.1736G>C (p.Arg579Thr)

Gene: ALK (ALK receptor tyrosine kinase; minus strand). Cytogenetic location: 2p23.2.
Variant type: single nucleotide variant.
Coding change: c.1736G>C on transcript NM_004304.5 (MANE Select); coding-DNA position 1736, G replaced by C.
Protein change: p.Arg579Thr; replaces arginine 579 with threonine.
Molecular consequence: missense variant.
Genome position (GRCh38, 1-based): chr2:29,296,969, C>G on the plus strand (G>C on the coding strand, the complement: ALK is on the minus strand). VCF-style: chr2-29296969-C-G. GRCh37 (hg19) VCF-style: chr2-29519835-C-G.
Other names: short protein forms R579T.
Identifiers: ClinVar variation 2452111 (VCV002452111.5), dbSNP rs1258283302, ClinGen allele CA346466245.
Genomic context (GRCh38, chr2:29,296,969, plus strand): 5'-GGCAACACCATCCACTGCCACAGGCTCAAGCCTTCATAGGCGGCGACATGCCAGACCATC[C>G]TGCCTTGCTCCTTCCCGGTTTTGTTCTCCACTAGCACCAAGGACACGTTTCCCCTCAAGA-3'
Protein context (NP_004295.2, residues 569-589): VENKTGKEQG[Arg579Thr]MVWHVAAYEG